The following is an entry in ClinVar:

NM_001323289.2(CDKL5):c.1419del (p.Gln475fs)

Gene: CDKL5 (cyclin dependent kinase like 5; plus strand). Cytogenetic location: Xp22.13.
Variant type: Deletion.
Coding change: c.1419del on transcript NM_001323289.2 (MANE Select); coding-DNA position 1419, one base deleted (T; older notation c.1419delT).
Protein change: p.Gln475fs; shifts the reading frame from glutamine 475.
Molecular consequence: frameshift variant.
Genome position (GRCh38, 1-based): chrX:18,604,343, T deleted; the last of 2 consecutive T bases (chrX:18,604,342-18,604,343); deleting either gives the same sequence. VCF-style (leftmost placement, unchanged base first): chrX-18604341-AT-A. GRCh37 (hg19) VCF-style: chrX-18622461-AT-A.
Other names: c.1419del, p.Gln475fs (NM_001037343.2, NM_003159.3); short protein forms Q475fs.
Identifiers: ClinVar variation 1342902 (VCV001342902.1), dbSNP rs2147160726, ClinGen allele CA2573055199.

ClinVar aggregate classification (germline): Pathogenic (1 of 4 stars; one submission).

Conditions:
Developmental and epileptic encephalopathy, 2 (DEE2). Also called: INFANTILE SPASM SYNDROME, X-LINKED 2; CDKL5 deficiency disorder. Identifiers: Orphanet 1934, Orphanet 3451, Orphanet 505652, MedGen C4750718, MONDO:0010396, OMIM 300672.

Submission:

Institute of Human Genetics, University of Leipzig Medical Center
Classification: Pathogenic for Developmental and epileptic encephalopathy, 2. Last evaluated: 2022-02-01. Review status: criteria provided, single submitter. Criteria: ACMG Guidelines, 2015. Collection method: clinical testing. Allele origin: de novo. Affected: yes.
Comment: This variant was identified as de novo (maternity and paternity confirmed)._x000D_ Criteria applied: PVS1, PS2_SUP, PM2_SUP